The following is an entry in ClinVar:

NM_000245.4(MET):c.1322C>G (p.Ser441Cys)

Gene: MET (MET proto-oncogene, receptor tyrosine kinase; plus strand). Cytogenetic location: 7q31.2.
Variant type: single nucleotide variant.
Coding change: c.1322C>G on transcript NM_000245.4 (MANE Select); coding-DNA position 1322, C replaced by G.
Protein change: p.Ser441Cys; replaces serine 441 with cysteine.
Molecular consequence: missense variant.
Genome position (GRCh38, 1-based): chr7:116,731,789, C>G. VCF-style: chr7-116731789-C-G. GRCh37 (hg19) VCF-style: chr7-116371843-C-G.
Other names: c.1322C>G, p.Ser441Cys (NM_001127500.3, NM_001324401.3); c.32C>G, p.Ser11Cys (NM_001324402.2); short protein forms S11C, S441C.
Identifiers: ClinVar variation 1024574 (VCV001024574.8), dbSNP rs751158986, ClinGen allele CA368972928.
Genomic context (GRCh38, chr7:116,731,789, plus strand): 5'-CCACAGCTTTGCAGCGCGTTGACTTATTCATGGGTCAATTCAGCGAAGTCCTCTTAACAT[C>G]TATATCCACCTTCATTAAAGGAGACCTCACCATAGCTAATCTTGGGACATCAGAGGGTCG-3'
Protein context (NP_000236.2, residues 431-451): MGQFSEVLLT[Ser441Cys]ISTFIKGDLT

ClinVar aggregate classification (germline): Uncertain significance (1 of 4 stars; one submission).

Conditions:
Renal cell carcinoma. Identifiers: Orphanet 217071, MedGen C0007134, MeSH D002292, MONDO:0005086, HP:0005584.

Submission:

Labcorp Genetics (formerly Invitae), Labcorp
Classification: Uncertain significance for Renal cell carcinoma. Last evaluated: 2020-07-14. Review status: criteria provided, single submitter. Criteria: Invitae Variant Classification Sherloc (09022015). Collection method: clinical testing. Allele origin: germline.
Comment: This sequence change replaces serine with cysteine at codon 441 of the MET protein (p.Ser441Cys). The serine residue is highly conserved and there is a moderate physicochemical difference between serine and cysteine. This variant is not present in population databases (ExAC no frequency). This variant has not been reported in the literature in individuals with MET-related conditions. Algorithms developed to predict the effect of missense changes on protein structure and function are either unavailable or do not agree on the potential impact of this missense change (SIFT: "Deleterious"; PolyPhen-2: "Probably Damaging"; Align-GVGD: "Class C0"). In summary, the available evidence is currently insufficient to determine the role of this variant in disease. Therefore, it has been classified as a Variant of Uncertain Significance.